The following is an entry in ClinVar:

NM_000548.5(TSC2):c.1988T>G (p.Leu663Arg)

Gene: TSC2 (TSC complex subunit 2; plus strand). Cytogenetic location: 16p13.3.
Variant type: single nucleotide variant.
Coding change: c.1988T>G on transcript NM_000548.5 (MANE Select); coding-DNA position 1988, T replaced by G.
Protein change: p.Leu663Arg; replaces leucine 663 with arginine.
Molecular consequence: missense variant.
Genome position (GRCh38, 1-based): chr16:2,071,825, T>G. VCF-style: chr16-2071825-T-G. GRCh37 (hg19) VCF-style: chr16-2121826-T-G.
Other names: c.1988T>G, p.Leu663Arg (NM_001077183.3, NM_001114382.3, NM_001363528.2 and 3 more transcripts); c.1877T>G, p.Leu626Arg (NM_001318827.2); c.1841T>G, p.Leu614Arg (NM_001318829.2); c.1388T>G, p.Leu463Arg (NM_001318831.2); c.2021T>G, p.Leu674Arg (NM_001318832.2); short protein forms L663R, L626R, L674R, L463R, L614R.
Identifiers: ClinVar variation 535908 (VCV000535908.16), dbSNP rs1555506026, ClinGen allele CA394274401.
Genomic context (GRCh38, chr16:2,071,825, plus strand): 5'-GCTTCTCTTGCTTCTGCAGGGAGCCAGAGAGAGGCTCTGAGAAGAAGACCAGCGGCCCCC[T>G]TTCTCCTCCCACAGGGCCTCCTGGCCCGGCGCCTGCAGGCCCCGCCGTGCGGCTGGGGTC-3'
Protein context (NP_000539.2, residues 653-673): RGSEKKTSGP[Leu663Arg]SPPTGPPGPA

ClinVar aggregate classification (germline): Uncertain significance. Review status: criteria provided, multiple submitters, no conflicts (2 of 4 stars). 4 submissions from 4 submitters: Uncertain significance (4). Last evaluated 2025-11-17.

Conditions:
Hereditary cancer-predisposing syndrome. Also called: Neoplastic Syndromes, Hereditary; Tumor predisposition; Hereditary Cancer Syndrome; Hereditary neoplastic syndrome. Identifiers: Orphanet 140162, MedGen C0027672, MeSH D009386, MONDO:0015356.
Isolated focal cortical dysplasia type II (FCORD2). Also called: Focal cortical dysplasia type II; CORTICAL DYSPLASIA OF TAYLOR. Identifiers: Orphanet 268994, MedGen C1846385, MONDO:0011818, OMIM 607341, HP:0032051.
Tuberous sclerosis 2 (TSC2). Identifiers: Orphanet 805, MedGen C1860707, MONDO:0013199, OMIM 613254.

gnomAD v4.1: 1 of 1,599,362 alleles (0.000063%); highest among the groups gnomAD compares: Non-Finnish European, 0.000085%; no homozygotes.

Submissions (4):

Labcorp Genetics (formerly Invitae), Labcorp
Classification: Uncertain significance for Tuberous sclerosis 2. Last evaluated: 2025-11-17. Review status: criteria provided, single submitter. Criteria: Invitae Variant Classification Sherloc (09022015). Collection method: clinical testing. Allele origin: germline.
Comment: This sequence change replaces leucine, which is neutral and non-polar, with arginine, which is basic and polar, at codon 663 of the TSC2 protein (p.Leu663Arg). This variant is not present in population databases (gnomAD no frequency). This variant has not been reported in the literature in individuals affected with TSC2-related conditions. ClinVar contains an entry for this variant (Variation ID: 535908). Invitae Evidence Modeling of protein sequence and biophysical properties (such as structural, functional, and spatial information, amino acid conservation, physicochemical variation, residue mobility, and thermodynamic stability) indicates that this missense variant is not expected to disrupt TSC2 protein function with a negative predictive value of 95%. In summary, the available evidence is currently insufficient to determine the role of this variant in disease. Therefore, it has been classified as a Variant of Uncertain Significance.

Ambry Genetics
Classification: Uncertain significance for Hereditary cancer-predisposing syndrome. Last evaluated: 2025-10-23. Review status: criteria provided, single submitter. Criteria: Ambry Variant Classification Scheme 2023. Collection method: clinical testing. Allele origin: germline.
Comment: The p.L663R variant (also known as c.1988T>G), located in coding exon 18 of the TSC2 gene, results from a T to G substitution at nucleotide position 1988. The leucine at codon 663 is replaced by arginine, an amino acid with dissimilar properties. This amino acid position is not well conserved in available vertebrate species. In addition, the in silico prediction for this alteration is inconclusive. Based on the available evidence, the clinical significance of this variant remains unclear.

Baylor Genetics
Classification: Uncertain significance for Isolated focal cortical dysplasia type II. Last evaluated: 2024-03-11. Review status: criteria provided, single submitter. Criteria: ACMG Guidelines, 2015. Collection method: clinical testing. Allele origin: unknown.

Genome-Nilou Lab
Classification: Uncertain significance for Tuberous sclerosis 2. Last evaluated: 2021-11-07. Review status: criteria provided, single submitter. Criteria: ACMG Guidelines, 2015. Collection method: clinical testing. Allele origin: germline. Affected: no.